The following is an entry in ClinVar:

ClinVar aggregate classification (germline): Uncertain significance. Review status: criteria provided, multiple submitters, no conflicts (2 of 4 stars). 2 submissions from 2 submitters: Uncertain significance (2). Last evaluated 2024-10-16.

Conditions:
Inborn genetic diseases. Identifiers: MedGen C0950123, MeSH D030342.
Lymphoproliferative syndrome 1 (LPFS1). Identifiers: Orphanet 238505, Orphanet 538963, MedGen C3552634, MONDO:0013081, OMIM 613011.

Allele frequency attached by ClinVar (database versions not stated): gnomAD 0.00001; gnomAD exomes 0.00001 and 0.00003; ExAC 0.00002; TOPMed 0.00003.
gnomAD v4.1: 15 of 1,604,442 alleles (0.00093%); highest among the groups gnomAD compares: Admixed American, 0.015%; 1 homozygote.

Submissions (2):

Labcorp Genetics (formerly Invitae), Labcorp
Classification: Uncertain significance for Lymphoproliferative syndrome 1. Last evaluated: 2024-10-16. Review status: criteria provided, single submitter. Criteria: Invitae Variant Classification Sherloc (09022015). Collection method: clinical testing. Allele origin: germline.
Comment: This sequence change replaces serine, which is neutral and polar, with glycine, which is neutral and non-polar, at codon 223 of the ITK protein (p.Ser223Gly). This variant is present in population databases (rs200825710, gnomAD 0.02%), including at least one homozygous and/or hemizygous individual. This variant has not been reported in the literature in individuals affected with ITK-related conditions. ClinVar contains an entry for this variant (Variation ID: 658392). Invitae Evidence Modeling of protein sequence and biophysical properties (such as structural, functional, and spatial information, amino acid conservation, physicochemical variation, residue mobility, and thermodynamic stability) indicates that this missense variant is not expected to disrupt ITK protein function with a negative predictive value of 80%. In summary, the available evidence is currently insufficient to determine the role of this variant in disease. Therefore, it has been classified as a Variant of Uncertain Significance.

Ambry Genetics
Classification: Uncertain significance for Inborn genetic diseases. Last evaluated: 2023-12-28. Review status: criteria provided, single submitter. Criteria: Ambry Variant Classification Scheme 2023. Collection method: clinical testing. Allele origin: germline.

NM_005546.4(ITK):c.667A>G (p.Ser223Gly)

Gene: ITK (IL2 inducible T cell kinase; plus strand). Cytogenetic location: 5q33.3.
Variant type: single nucleotide variant.
Coding change: c.667A>G on transcript NM_005546.4 (MANE Select); coding-DNA position 667, A replaced by G.
Protein change: p.Ser223Gly; replaces serine 223 with glycine.
Molecular consequence: missense variant.
Genome position (GRCh38, 1-based): chr5:157,228,315, A>G. VCF-style: chr5-157228315-A-G. GRCh37 (hg19) VCF-style: chr5-156655325-A-G.
Other names: short protein forms S223G.
Identifiers: ClinVar variation 658392 (VCV000658392.9), dbSNP rs200825710, ClinGen allele CA3532849.